The following is an entry in ClinVar:

NM_006648.4(WNK2):c.6316C>T (p.His2106Tyr)

Gene: WNK2 (WNK lysine deficient protein kinase 2; plus strand). Cytogenetic location: 9q22.31.
Variant type: single nucleotide variant.
Coding change: c.6316C>T on transcript NM_006648.4 (MANE Select); coding-DNA position 6316, C replaced by T.
Protein change: p.His2106Tyr; replaces histidine 2106 with tyrosine.
Molecular consequence: missense variant.
Genome position (GRCh38, 1-based): chr9:93,308,384, C>T. VCF-style: chr9-93308384-C-T. GRCh37 (hg19) VCF-style: chr9-96070666-C-T.
Other names: c.6427C>T, p.His2143Tyr (NM_001282394.3); short protein forms H2143Y, H2106Y.
Identifiers: ClinVar variation 3817291 (VCV003817291.2).
Genomic context (GRCh38, chr9:93,308,384, plus strand): 5'-CCAGGGTCCTCCACCAGCAGCCTGGCCCCAGGCCCTGAGCCAGGCCCCCAGCCCGCCCTG[C>T]ACGTCCAGGCGCAGGTGAACAACAGCAACAACAAGAAGGGTACCTTCACGGACGACCTGC-3'
Protein context (NP_006639.3, residues 2096-2116): GPEPGPQPAL[His2106Tyr]VQAQVNNSNN

ClinVar aggregate classification (germline): Uncertain significance (1 of 4 stars; one submission).

Submission:

Ambry Genetics
Classification: Uncertain significance. Last evaluated: 2025-12-22. Review status: criteria provided, single submitter. Criteria: Ambry Variant Classification Scheme 2023. Collection method: clinical testing. Allele origin: germline.
Comment: The p.H2106Y variant (also known as c.6316C>T), located in coding exon 27 of the WNK2 gene, results from a C to T substitution at nucleotide position 6316. The histidine at codon 2106 is replaced by tyrosine, an amino acid with similar properties. This amino acid position is conserved. In addition, this alteration is predicted to be tolerated by in silico analysis. Based on the available evidence, the clinical significance of this variant remains unclear.